The following is an entry in ClinVar:

ClinVar aggregate classification (germline): Uncertain significance (1 of 4 stars; one submission).

Submission:

GeneDx
Classification: Uncertain significance. Last evaluated: 2025-03-07. Review status: criteria provided, single submitter. Criteria: GeneDx Variant Classification Process June 2021. Collection method: clinical testing. Allele origin: germline. Affected: yes.
Comment: Not observed at significant frequency in large population cohorts (gnomAD); Frameshift variant predicted to result in protein truncation or nonsense mediated decay in a gene or region of a gene for which loss of function is not a well-established mechanism of disease; Has not been previously published as pathogenic or benign to our knowledge

NM_001393504.1(MAST3):c.1708del (p.Cys570fs)

Gene: MAST3 (microtubule associated serine/threonine kinase 3; plus strand). Cytogenetic location: 19p13.11.
Variant type: Deletion.
Coding change: c.1708del on transcript NM_001393504.1 (MANE Select); coding-DNA position 1708, one base deleted (T; older notation c.1708delT).
Protein change: p.Cys570fs; shifts the reading frame from cysteine 570.
Molecular consequence: frameshift variant.
Genome position (GRCh38, 1-based): chr19:18,134,820, T deleted. VCF-style (leftmost placement, unchanged base first): chr19-18134819-GT-G. GRCh37 (hg19) VCF-style: chr19-18245629-GT-G.
Other names: c.1732del, p.Cys578fs (NM_001393501.1); c.1711del, p.Cys571fs (NM_001393502.1); c.1708del, p.Cys570fs (NM_001393503.1); c.1705del, p.Cys569fs (NM_001393505.1); c.1660del, p.Cys554fs (NM_001393506.1, NM_001393513.1); c.1687del, p.Cys563fs (NM_001393507.1); c.1642del, p.Cys548fs (NM_001393508.1, NM_001393516.1); c.1639del, p.Cys547fs (NM_001393509.1, NM_001393510.1, NM_001393512.1 and 2 more transcripts); and 4 more; short protein forms C532fs, C540fs, C541fs, C546fs, C547fs, C548fs, C554fs, C563fs.
Identifiers: ClinVar variation 4082753 (VCV004082753.1).